The following is an entry in ClinVar:

ClinVar aggregate classification (germline): Uncertain significance (1 of 4 stars; one submission).

Conditions:
Hereditary sensory neuropathy-deafness-dementia syndrome. Also called: NEUROPATHY, HEREDITARY SENSORY, WITH HEARING LOSS AND DEMENTIA; HSN IE; Hereditary sensory neuropathy type IE; Hereditary Sensory and Autonomic Neuropathy Type 1E (HSAN1E). Identifiers: Orphanet 456318, MedGen C3279885, MONDO:0013584, OMIM 614116.

gnomAD v4.1: 1 of 1,614,138 alleles (0.000062%); highest among the groups gnomAD compares: Non-Finnish European, 0.000085%; no homozygotes.

Submission:

Labcorp Genetics (formerly Invitae), Labcorp
Classification: Uncertain significance for Hereditary sensory neuropathy-deafness-dementia syndrome. Last evaluated: 2025-10-09. Review status: criteria provided, single submitter. Criteria: Invitae Variant Classification Sherloc (09022015). Collection method: clinical testing. Allele origin: germline.
Comment: This sequence change replaces serine, which is neutral and polar, with leucine, which is neutral and non-polar, at codon 941 of the DNMT1 protein (p.Ser941Leu). This variant is not present in population databases (gnomAD no frequency). This variant has not been reported in the literature in individuals affected with DNMT1-related conditions. Invitae Evidence Modeling of protein sequence and biophysical properties (such as structural, functional, and spatial information, amino acid conservation, physicochemical variation, residue mobility, and thermodynamic stability) indicates that this missense variant is not expected to disrupt DNMT1 protein function with a negative predictive value of 80%. In summary, the available evidence is currently insufficient to determine the role of this variant in disease. Therefore, it has been classified as a Variant of Uncertain Significance.

NM_001130823.3(DNMT1):c.2822C>T (p.Ser941Leu)

Gene: DNMT1 (DNA methyltransferase 1; minus strand). Cytogenetic location: 19p13.2.
Variant type: single nucleotide variant.
Coding change: c.2822C>T on transcript NM_001130823.3 (MANE Select); coding-DNA position 2822, C replaced by T.
Protein change: p.Ser941Leu; replaces serine 941 with leucine.
Molecular consequence: missense variant.
Genome position (GRCh38, 1-based): chr19:10,146,423, G>A on the plus strand (C>T on the coding strand, the complement: DNMT1 is on the minus strand). VCF-style: chr19-10146423-G-A. GRCh37 (hg19) VCF-style: chr19-10257099-G-A.
Other names: c.2774C>T, p.Ser925Leu (NM_001318730.2, NM_001379.4); c.2459C>T, p.Ser820Leu (NM_001318731.2); short protein forms S941L, S820L, S925L.
Identifiers: ClinVar variation 4696201 (VCV004696201.1).